The following is an entry in ClinVar:

ClinVar aggregate classification (germline): Likely benign. Review status: criteria provided, single submitter (1 of 4 stars). 2 submissions from 2 submitters: Likely benign (1). 1 of the submissions does not count toward it. Last evaluated 2025-11-28.

Conditions:
PLEC-related disorder. Also called: PLEC-related condition; PLEC-related disorders.
Autosomal recessive limb-girdle muscular dystrophy type 2Q (LGMDR17). Also called: MUSCULAR DYSTROPHY, LIMB-GIRDLE, AUTOSOMAL RECESSIVE 17. Identifiers: Orphanet 254361, MedGen C3150989, MONDO:0013390, OMIM 613723.
Epidermolysis bullosa simplex 5B, with muscular dystrophy (EBS5B). Also called: Epidermolysis bullosa simplex with muscular dystrophy; EPIDERMOLYSIS BULLOSA SIMPLEX AND LIMB-GIRDLE MUSCULAR DYSTROPHY. Identifiers: Orphanet 257, MedGen C2931072, MONDO:0009181, OMIM 226670.
Epidermolysis bullosa simplex with nail dystrophy (EBS5D). Identifiers: MedGen C4225309, MONDO:0014661, OMIM 616487.
Epidermolysis bullosa simplex, Ogna type (EBS5A). Also called: Pidermolysis bullosa simplex 5A, Ogna type; EPIDERMOLYSIS BULLOSA SIMPLEX 5A, OGNA TYPE. Identifiers: Orphanet 79401, MedGen C0432317, MONDO:0007555, OMIM 131950.
Epidermolysis bullosa simplex 5C, with pyloric atresia (EBS5C). Also called: PLEC1-Related Epidermolysis Bullosa with Pyloric Atresia; PLEC-Related Epidermolysis Bullosa with Pyloric Atresia; Epidermolysis bullosa simplex with pyloric atresia. Identifiers: Orphanet 158684, MedGen C2677349, MONDO:0012807, OMIM 612138.

Allele frequency attached by ClinVar (database versions not stated): gnomAD exomes 0.00002; ExAC 0.00004; gnomAD 0.00005; TOPMed 0.00006.
gnomAD v4.1: 43 of 1,608,634 alleles (0.0027%); highest among the groups gnomAD compares: Middle Eastern, 0.17%; 1 homozygote.

Submissions (2):

Labcorp Genetics (formerly Invitae), Labcorp
Classification: Likely benign for Autosomal recessive limb-girdle muscular dystrophy type 2Q; Epidermolysis bullosa simplex, Ogna type; Epidermolysis bullosa simplex with nail dystrophy; Epidermolysis bullosa simplex 5C, with pyloric atresia; Epidermolysis bullosa simplex 5B, with muscular dystrophy. Last evaluated: 2025-11-28. Review status: criteria provided, single submitter. Criteria: Invitae Variant Classification Sherloc (09022015). Collection method: clinical testing. Allele origin: germline.

PreventionGenetics, part of Exact Sciences
Classification: Likely benign for PLEC-related condition. Last evaluated: 2019-12-16. Review status: no assertion criteria provided. Collection method: clinical testing. Allele origin: germline. Not counted in ClinVar's aggregate classification.
Comment: This variant is classified as likely benign based on ACMG/AMP sequence variant interpretation guidelines (Richards et al. 2015 PMID: 25741868, with internal and published modifications).

NM_201384.3(PLEC):c.9615C>T (p.Thr3205=)

Gene: PLEC (plectin; minus strand). Cytogenetic location: 8q24.3.
Variant type: single nucleotide variant.
Coding change: c.9615C>T on transcript NM_201384.3 (MANE Select); coding-DNA position 9615, C replaced by T.
Protein change: p.Thr3205=; no amino-acid change (threonine 3205 retained).
Molecular consequence: synonymous variant.
Genome position (GRCh38, 1-based): chr8:143,920,206, G>A on the plus strand (C>T on the coding strand, the complement: PLEC is on the minus strand). VCF-style: chr8-143920206-G-A. GRCh37 (hg19) VCF-style: chr8-144994374-G-A.
Other names: c.9696C>T, p.Thr3232= (NM_000445.5); c.6315C>T, p.Thr2105= (NM_001410941.1); c.9573C>T, p.Thr3191= (NM_201378.4); c.9549C>T, p.Thr3183= (NM_201379.3); c.10026C>T, p.Thr3342= (NM_201380.4); c.9519C>T, p.Thr3173= (NM_201381.3); c.9615C>T, p.Thr3205= (NM_201382.4); c.9627C>T, p.Thr3209= (NM_201383.3); and 1 more.
Identifiers: ClinVar variation 2064806 (VCV002064806.6), dbSNP rs782233146, ClinGen allele CA4924911.